The following is an entry in ClinVar:

NM_138481.2(CHADL):c.1194C>T (p.Arg398=)

Gene: CHADL (chondroadherin like; minus strand). Cytogenetic location: 22q13.2.
Variant type: single nucleotide variant.
Coding change: c.1194C>T on transcript NM_138481.2 (MANE Select); coding-DNA position 1194, C replaced by T.
Protein change: p.Arg398=; no amino-acid change (arginine 398 retained).
Molecular consequence: synonymous variant.
Genome position (GRCh38, 1-based): chr22:41,237,878, G>A on the plus strand (C>T on the coding strand, the complement: CHADL is on the minus strand). VCF-style: chr22-41237878-G-A. GRCh37 (hg19) VCF-style: chr22-41633882-G-A.
Identifiers: ClinVar variation 2653222 (VCV002653222.24), dbSNP rs953831791, ClinGen allele CA324578927.

ClinVar aggregate classification (germline): Likely benign (1 of 4 stars; one submission).

Allele frequency attached by ClinVar (database versions not stated): gnomAD 0.00019; TOPMed 0.00021.

Submission:

CeGaT Center for Human Genetics Tuebingen
Classification: Likely benign. Last evaluated: 2022-07-01. Review status: criteria provided, single submitter. Criteria: CeGaT Center For Human Genetics Tuebingen Variant Classification Criteria Version 2. Collection method: clinical testing. Allele origin: germline. Affected: yes. Observed: 1 variant allele.
Comment: CHADL: BP4, BP7